The following is an entry in ClinVar:

ClinVar aggregate classification (germline): Uncertain significance (1 of 4 stars; one submission).

Conditions:
Intellectual developmental disorder with neuropsychiatric features. Identifiers: MedGen C4479636, MONDO:0044322, OMIM 617532.

Submission:

Baylor Genetics
Classification: Uncertain significance for Intellectual developmental disorder with neuropsychiatric features. Last evaluated: 2019-07-14. Review status: criteria provided, single submitter. Criteria: ACMG Guidelines, 2015. Collection method: clinical testing. Allele origin: unknown. Affected: yes.
Comment: This variant was determined to be of uncertain significance according to ACMG Guidelines, 2015 [PMID:25741868].

NM_001080397.3(SLC45A1):c.742G>C (p.Val248Leu)

Gene: SLC45A1 (solute carrier family 45 member 1; plus strand). Cytogenetic location: 1p36.23.
Variant type: single nucleotide variant.
Coding change: c.742G>C on transcript NM_001080397.3 (MANE Select); coding-DNA position 742, G replaced by C.
Protein change: p.Val248Leu; replaces valine 248 with leucine.
Molecular consequence: missense variant.
Genome position (GRCh38, 1-based): chr1:8,330,235, G>C. VCF-style: chr1-8330235-G-C. GRCh37 (hg19) VCF-style: chr1-8390295-G-C.
Other names: c.742G>C, p.Val248Leu (NM_001379614.1); c.649G>C, p.Val217Leu (NM_001379615.1, NM_001379616.1); c.136G>C, p.Val46Leu (NM_001379617.1, NM_001379618.1); short protein forms V46L, V248L, V217L.
Identifiers: ClinVar variation 1029021 (VCV001029021.1), dbSNP rs1640342478, ClinGen allele CA338163202.